The following is an entry in ClinVar:

NM_006073.4(TRDN):c.1599T>A (p.Ala533=)

Gene: TRDN (triadin; minus strand). Cytogenetic location: 6q22.31.
Variant type: single nucleotide variant.
Coding change: c.1599T>A on transcript NM_006073.4 (MANE Select); coding-DNA position 1599, T replaced by A.
Protein change: p.Ala533=; no amino-acid change (alanine 533 retained).
Molecular consequence: synonymous variant.
Genome position (GRCh38, 1-based): chr6:123,273,362, A>T on the plus strand (T>A on the coding strand, the complement: TRDN is on the minus strand). VCF-style: chr6-123273362-A-T. GRCh37 (hg19) VCF-style: chr6-123594507-A-T.
Identifiers: ClinVar variation 3895135 (VCV003895135.1).

ClinVar aggregate classification (germline): Likely benign (1 of 4 stars; one submission).

Submission:

Molecular Diagnostic Laboratory for Inherited Cardiovascular Disease, Montreal Heart Institute
Classification: Likely benign. Last evaluated: 2025-04-09. Review status: criteria provided, single submitter. Criteria: ACMG Guidelines, 2015. Collection method: clinical testing. Allele origin: germline. Affected: no.
Comment: BP7